The following is an entry in ClinVar:

ClinVar aggregate classification (germline): Uncertain significance (1 of 4 stars; one submission).

Submission:

Labcorp Genetics (formerly Invitae), Labcorp
Classification: Uncertain significance. Last evaluated: 2024-10-26. Review status: criteria provided, single submitter. Criteria: Invitae Variant Classification Sherloc (09022015). Collection method: clinical testing. Allele origin: germline.
Comment: This sequence change replaces threonine, which is neutral and polar, with serine, which is neutral and polar, at codon 668 of the KANK1 protein (p.Thr668Ser). This variant is not present in population databases (gnomAD no frequency). This variant has not been reported in the literature in individuals affected with KANK1-related conditions. ClinVar contains an entry for this variant (Variation ID: 1960851). Invitae Evidence Modeling of protein sequence and biophysical properties (such as structural, functional, and spatial information, amino acid conservation, physicochemical variation, residue mobility, and thermodynamic stability) indicates that this missense variant is not expected to disrupt KANK1 protein function with a negative predictive value of 80%. In summary, the available evidence is currently insufficient to determine the role of this variant in disease. Therefore, it has been classified as a Variant of Uncertain Significance.

NM_015158.5(KANK1):c.2003C>G (p.Thr668Ser)

Gene: KANK1 (KN motif and ankyrin repeat domains 1; plus strand). Cytogenetic location: 9p24.3.
Variant type: single nucleotide variant.
Coding change: c.2003C>G on transcript NM_015158.5 (MANE Select); coding-DNA position 2003, C replaced by G.
Protein change: p.Thr668Ser; replaces threonine 668 with serine.
Molecular consequence: missense variant. On other transcripts: non-coding transcript variant (1).
Genome position (GRCh38, 1-based): chr9:712,769, C>G. VCF-style: chr9-712769-C-G. GRCh37 (hg19) VCF-style: chr9-712769-C-G.
Other names: c.2003C>G, p.Thr668Ser (NM_001256876.3, NM_001256877.3, NM_001354331.2 and 2 more transcripts); c.1529C>G, p.Thr510Ser (NM_001354333.2, NM_001354335.2, NM_001354336.2 and 9 more transcripts); short protein forms T510S, T668S.
Identifiers: ClinVar variation 1960851 (VCV001960851.5), dbSNP rs1390826651, ClinGen allele CA372749387.